The following is an entry in ClinVar:

NM_000350.3(ABCA4):c.5317_5318insA (p.Ala1773fs)

Gene: ABCA4 (ATP binding cassette subfamily A member 4; minus strand). Cytogenetic location: 1p22.1.
Variant type: Insertion.
Coding change: c.5317_5318insA on transcript NM_000350.3 (MANE Select); coding-DNA positions 5317 to 5318, A inserted.
Protein change: p.Ala1773fs; shifts the reading frame from alanine 1773.
Molecular consequence: frameshift variant.
Genome position: GRCh38 VCF-style: chr1-94014685-G-GT. GRCh37 (hg19) VCF-style: chr1-94480241-G-GT.
Other names: c.5095_5096insA, p.Ala1699Aspfs (NM_001425324.1); short protein forms A1773fs.
Identifiers: ClinVar variation 933660 (VCV000933660.7), dbSNP rs1659674437, ClinGen allele CA1139656191.

ClinVar aggregate classification (germline): Pathogenic (1 of 4 stars; one submission).

Submission:

Labcorp Genetics (formerly Invitae), Labcorp
Classification: Pathogenic. Last evaluated: 2025-11-23. Review status: criteria provided, single submitter. Criteria: Invitae Variant Classification Sherloc (09022015). Collection method: clinical testing. Allele origin: germline.
Comment: This sequence change creates a premature translational stop signal (p.Ala1773Aspfs*14) in the ABCA4 gene. It is expected to result in an absent or disrupted protein product. Loss-of-function variants in ABCA4 are known to be pathogenic (PMID: 10958761, 24938718, 25312043, 26780318). This variant is not present in population databases (gnomAD no frequency). This variant has not been reported in the literature in individuals affected with ABCA4-related conditions. ClinVar contains an entry for this variant (Variation ID: 933660). For these reasons, this variant has been classified as Pathogenic.

Literature cited by the submitters: PubMed 10958761; PubMed 24938718; PubMed 25312043; PubMed 26780318.